The following is an entry in ClinVar:

NM_000186.4(CFH):c.3652T>C (p.Cys1218Arg)

Gene: CFH (complement factor H; plus strand). Cytogenetic location: 1q31.3.
Variant type: single nucleotide variant.
Coding change: c.3652T>C on transcript NM_000186.4 (MANE Select); coding-DNA position 3652, T replaced by C.
Protein change: p.Cys1218Arg; replaces cysteine 1218 with arginine.
Molecular consequence: missense variant.
Genome position (GRCh38, 1-based): chr1:196,747,269, T>C. VCF-style: chr1-196747269-T-C. GRCh37 (hg19) VCF-style: chr1-196716399-T-C.
Other names: short protein forms C1218R.
Identifiers: ClinVar variation 4291640 (VCV004291640.2).

ClinVar aggregate classification (germline): Uncertain significance (1 of 4 stars; one submission).

Conditions:
Atypical hemolytic-uremic syndrome. Identifiers: Orphanet 2134, MedGen C2931788, MONDO:0016244.

Submission:

Genomenon, Inc
Classification: Uncertain significance for Atypical hemolytic-uremic syndrome. Last evaluated: 2026-09-17. Review status: criteria provided, single submitter. Criteria: Genomenon Sequence Variant Interpretation Standards - Updated. Collection method: curation. Allele origin: germline. Affected: yes.
Comment: CFH p.Cys1218Arg (c.3652T>C) is a missense variant that changes the amino acid at codon 1218 from cysteine to arginine. This variant has been observed in at least one proband affected with atypical hemolytic-uremic syndrome (PMID: 20703214). Functional studies have been reported (PMID: 28941939). It is absent or not present at a significant frequency in gnomAD. In silico models predict that this variant is possibly or probably damaging. In conclusion, we classify CFH p.Cys1218Arg (c.3652T>C) as a variant of uncertain significance.

Literature cited by the submitters: PubMed 20703214; PubMed 28941939.